The following is an entry in ClinVar:

NM_032119.4(ADGRV1):c.13655dup (p.Asn4553fs)

Gene: ADGRV1 (adhesion G protein-coupled receptor V1; plus strand). Cytogenetic location: 5q14.3.
Variant type: Duplication.
Coding change: c.13655dup on transcript NM_032119.4 (MANE Select); coding-DNA position 13655, one base duplicated (T; older notation c.13655dupT).
Protein change: p.Asn4553fs; shifts the reading frame from asparagine 4553.
Molecular consequence: frameshift variant. On other transcripts: non-coding transcript variant (1).
Genome position (GRCh38, 1-based): chr5:90,788,072, T duplicated. VCF-style (leftmost placement, unchanged base first): chr5-90788071-G-GT. GRCh37 (hg19) VCF-style: chr5-90083888-G-GT.
Other names: short protein forms N4553fs.
Identifiers: ClinVar variation 802126 (VCV000802126.7), dbSNP rs765376986, ClinGen allele CA3341584.
Genomic context (GRCh38, chr5:90,788,071, plus strand): 5'-AGTTTTTTGCTTAAAATTGATCTCTATTAAAGAAATACCAAAACCAAAAACATCCCGCAG[G>GT]TGAACTGGGAGACAGTAGGACCCAACTCTCAAGAAGCCTTACTGCCACAGAATAGAGACA-3'

ClinVar aggregate classification (germline): Pathogenic. Review status: criteria provided, multiple submitters, no conflicts (2 of 4 stars). 3 submissions from 3 submitters: Pathogenic (2). 1 of the submissions does not count toward it. Last evaluated 2022-08-22.

Conditions:
Usher syndrome type 2C. Also called: Usher syndrome, type 2B; USHER SYNDROME, TYPE IIC. Identifiers: Orphanet 231178, Orphanet 886, MedGen C2931213, MONDO:0011558, OMIM 605472.
Retinal dystrophy. Also called: Inherited retinal dystrophy. Identifiers: Orphanet 71862, MedGen C0854723, MeSH D058499, MONDO:0019118, HP:0000556.

Allele frequency attached by ClinVar (database versions not stated): gnomAD exomes 0.00001 and 0.00002; ExAC 0.00004.

Submissions (3):

Labcorp Genetics (formerly Invitae), Labcorp
Classification: Pathogenic. Last evaluated: 2022-08-22. Review status: criteria provided, single submitter. Criteria: Invitae Variant Classification Sherloc (09022015). Collection method: clinical testing. Allele origin: germline.
Comment: ClinVar contains an entry for this variant (Variation ID: 802126). For these reasons, this variant has been classified as Pathogenic. This premature translational stop signal has been observed in individual(s) with clinical features of ADGRV1-related conditions (PMID: 32037395, 33105617). This variant is present in population databases (rs765376986, gnomAD 0.008%). This sequence change creates a premature translational stop signal (p.Asn4553Glufs*18) in the ADGRV1 gene. It is expected to result in an absent or disrupted protein product. Loss-of-function variants in ADGRV1 are known to be pathogenic (PMID: 19357117, 22135276, 22147658, 26226137, 30718709, 31047384, 32467589).

Mendelics
Classification: Pathogenic for Usher syndrome type 2C. Last evaluated: 2019-05-28. Review status: criteria provided, single submitter. Criteria: Mendelics Assertion Criteria 2017. Collection method: clinical testing. Allele origin: unknown.

Institute of Human Genetics, Univ. Regensburg, Univ. Regensburg
Classification: Pathogenic for Retinal dystrophy. Last evaluated: 2021-01-01. Review status: no assertion criteria provided. Criteria: ACMG Guidelines, 2015. Collection method: clinical testing. Allele origin: germline. Affected: yes. Not counted in ClinVar's aggregate classification.

Literature cited by the submitters: PubMed 32037395 (cited by Labcorp Genetics (formerly Invitae), Labcorp); PubMed 33105617 (cited by Labcorp Genetics (formerly Invitae), Labcorp); PubMed 19357117 (cited by Labcorp Genetics (formerly Invitae), Labcorp); PubMed 22135276 (cited by Labcorp Genetics (formerly Invitae), Labcorp); PubMed 22147658 (cited by Labcorp Genetics (formerly Invitae), Labcorp); PubMed 26226137 (cited by Labcorp Genetics (formerly Invitae), Labcorp); PubMed 30718709 (cited by Labcorp Genetics (formerly Invitae), Labcorp); PubMed 31047384 (cited by Labcorp Genetics (formerly Invitae), Labcorp); PubMed 32467589 (cited by Labcorp Genetics (formerly Invitae), Labcorp).